The following is an entry in ClinVar:

ClinVar aggregate classification (germline): Uncertain significance. Review status: criteria provided, multiple submitters, no conflicts (2 of 4 stars). 2 submissions from 2 submitters: Uncertain significance (2). Last evaluated 2024-05-15.

Conditions:
Hereditary cancer-predisposing syndrome. Also called: Neoplastic Syndromes, Hereditary; Hereditary Cancer Syndrome; Tumor predisposition; Hereditary neoplastic syndrome. Identifiers: Orphanet 140162, MedGen C0027672, MeSH D009386, MONDO:0015356.
Gorlin syndrome. Also called: Nevoid Basal Cell Carcinoma Syndrome; Basal cell nevus syndrome. Identifiers: Orphanet 377, MedGen C0004779, MONDO:0007187.

Submissions (2):

Labcorp Genetics (formerly Invitae), Labcorp
Classification: Uncertain significance for Gorlin syndrome. Last evaluated: 2024-05-15. Review status: criteria provided, single submitter. Criteria: Invitae Variant Classification Sherloc (09022015). Collection method: clinical testing. Allele origin: germline.
Comment: This sequence change falls in intron 8 of the PTCH1 gene. It does not directly change the encoded amino acid sequence of the PTCH1 protein. It affects a nucleotide within the consensus splice site. This variant is not present in population databases (gnomAD no frequency). This variant has not been reported in the literature in individuals affected with PTCH1-related conditions. ClinVar contains an entry for this variant (Variation ID: 2564378). Variants that disrupt the consensus splice site are a relatively common cause of aberrant splicing (PMID: 17576681, 9536098). Algorithms developed to predict the effect of sequence changes on RNA splicing suggest that this variant is not likely to affect RNA splicing. In summary, the available evidence is currently insufficient to determine the role of this variant in disease. Therefore, it has been classified as a Variant of Uncertain Significance.

Ambry Genetics
Classification: Uncertain significance for Hereditary cancer-predisposing syndrome. Last evaluated: 2023-05-04. Review status: criteria provided, single submitter. Criteria: Ambry Variant Classification Scheme 2023. Collection method: clinical testing. Allele origin: germline.
Comment: The c.1215+4A>T intronic variant results from an A to T substitution 4 nucleotides after coding exon 8 in the PTCH1 gene. This nucleotide position is not well conserved in available vertebrate species. In silico splice site analysis predicts that this alteration may result in the creation or strengthening of a novel splice donor site; however, direct evidence is insufficient at this time (Ambry internal data). Since supporting evidence is limited at this time, the clinical significance of this alteration remains unclear.

Literature cited by the submitters: PubMed 17576681 (cited by Labcorp Genetics (formerly Invitae), Labcorp); PubMed 9536098 (cited by Labcorp Genetics (formerly Invitae), Labcorp).

NM_000264.5(PTCH1):c.1215+4A>T

Gene: PTCH1 (patched 1; minus strand). Cytogenetic location: 9q22.32.
Variant type: single nucleotide variant.
Coding change: c.1215+4A>T on transcript NM_000264.5 (MANE Select); 4 bases into the intron after coding-DNA position 1215, A replaced by T.
Molecular consequence: intron variant.
Genome position (GRCh38, 1-based): chr9:95,478,996, T>A on the plus strand (A>T on the coding strand, the complement: PTCH1 is on the minus strand). VCF-style: chr9-95478996-T-A. GRCh37 (hg19) VCF-style: chr9-98241278-T-A.
Other names: c.1212+4A>T (NM_001083603.3); c.1017+4A>T (NM_001083602.3); c.1215+4A>T (NM_001354918.2); c.762+4A>T (NM_001083605.3, NM_001083604.3, NM_001083606.3 and 1 more transcripts).
Identifiers: ClinVar variation 2564378 (VCV002564378.5), dbSNP rs2538216509, ClinGen allele CA2580616240.